The following is an entry in ClinVar:

NM_000535.7(PMS2):c.1145-17delinsGGAG

Gene: PMS2 (PMS1 homolog 2, mismatch repair system component; minus strand). Cytogenetic location: 7p22.1.
Variant type: Indel.
Coding change: c.1145-17delinsGGAG on transcript NM_000535.7 (MANE Select); 17 bases into the intron before coding-DNA position 1145, C replaced by GGAG.
Molecular consequence: intron variant.
Genome position (GRCh38, 1-based): chr7:5,987,637, G replaced by CTCC on the plus strand (C replaced by GGAG on the coding strand, the reverse complement: PMS2 is on the minus strand). VCF-style: chr7-5987637-G-CTCC. GRCh37 (hg19) VCF-style: chr7-6027268-G-CTCC.
Other names: c.827-17delinsGGAG (NM_001322008.2, NM_001322007.2); c.584-17delinsGGAG (NM_001322010.2); c.740-17delinsGGAG (NM_001322004.2, NM_001322003.2, NM_001322009.2 and 1 more transcripts); c.572-17delinsGGAG (NM_001322013.2); c.212-17delinsGGAG (NM_001322012.2, NM_001322011.2); c.836-17delinsGGAG (NM_001322015.2); c.989-17delinsGGAG (NM_001322006.2); c.1145-17delinsGGAG (NM_001322014.2).
Identifiers: ClinVar variation 633366 (VCV000633366.1), dbSNP rs1562637330, ClinGen allele CA913189368.
Genomic context (GRCh38, chr7:5,987,637, plus strand): 5'-CATGGGCTTTTCCAAATCCGCTGCATGCATTTTTATTAAGTTACCTAAGCAAACGTGGAC[G>CTCC]GAGAAGAGGGTCAGGGACTATCCTGAAATGGTGAGAGGACGTGCTTATGTGAACAGATAC-3'

ClinVar aggregate classification (germline): Uncertain significance (1 of 4 stars; one submission).

Submission:

Women's Health and Genetics/Laboratory Corporation of America, LabCorp
Classification: Uncertain significance. Last evaluated: 2018-01-29. Review status: criteria provided, single submitter. Criteria: LabCorp Variant Classification Summary - May 2015. Collection method: clinical testing. Allele origin: germline.
Comment: Variant summary: PMS2 c.1145-17delinsGGAG alters a non-conserved nucleotide located close to a canonical splice site and therefore could affect mRNA splicing. 3/5 computational tools predict that this variant may create a novel 3' splicing acceptor site (Alamut). However, these predictions have yet to be confirmed by functional studies. The variant was absent from 264976 control chromosomes. The available data on variant occurrences in the general population are insufficient to allow any conclusion about variant significance. To our knowledge, no occurrence of c.1145-17delinsGGAG in individuals affected with Lynch Syndrome and no experimental evidence demonstrating its impact on splicing and protein function have been reported. No clinical diagnostic laboratories have submitted clinical-significance assessments for this variant to ClinVar. Based on the evidence outlined above, the variant was classified as uncertain significance.